The following is an entry in ClinVar:

NM_000287.4(PEX6):c.152C>T (p.Ala51Val)

Gene: PEX6 (peroxisomal biogenesis factor 6; minus strand). Cytogenetic location: 6p21.1.
Variant type: single nucleotide variant.
Coding change: c.152C>T on transcript NM_000287.4 (MANE Select); coding-DNA position 152, C replaced by T.
Protein change: p.Ala51Val; replaces alanine 51 with valine.
Molecular consequence: missense variant. On other transcripts: non-coding transcript variant (1).
Genome position (GRCh38, 1-based): chr6:42,978,999, G>A on the plus strand (C>T on the coding strand, the complement: PEX6 is on the minus strand). VCF-style: chr6-42978999-G-A. GRCh37 (hg19) VCF-style: chr6-42946737-G-A.
Other names: c.152C>T, p.Ala51Val (NM_001316313.2); short protein forms A51V.
Identifiers: ClinVar variation 2146817 (VCV002146817.1), dbSNP rs931068715, ClinGen allele CA364168722.

ClinVar aggregate classification (germline): Uncertain significance (1 of 4 stars; one submission).

Conditions:
Peroxisome biogenesis disorder. Identifiers: Orphanet 79189, MedGen C1832200, MONDO:0019234. Disease mechanism: loss of function.

gnomAD v4.1: 1 of 1,512,962 alleles (0.000066%); no homozygotes.

Submission:

Labcorp Genetics (formerly Invitae), Labcorp
Classification: Uncertain significance for Peroxisome biogenesis disorder. Last evaluated: 2021-12-25. Review status: criteria provided, single submitter. Criteria: Invitae Variant Classification Sherloc (09022015). Collection method: clinical testing. Allele origin: germline.
Comment: This sequence change replaces alanine, which is neutral and non-polar, with valine, which is neutral and non-polar, at codon 51 of the PEX6 protein (p.Ala51Val). This variant is not present in population databases (gnomAD no frequency). This variant has not been reported in the literature in individuals affected with PEX6-related conditions. Algorithms developed to predict the effect of missense changes on protein structure and function are either unavailable or do not agree on the potential impact of this missense change (SIFT: "Tolerated"; PolyPhen-2: "Probably Damaging"; Align-GVGD: "Class C0"). Algorithms developed to predict the effect of sequence changes on RNA splicing suggest that this variant may create or strengthen a splice site. In summary, the available evidence is currently insufficient to determine the role of this variant in disease. Therefore, it has been classified as a Variant of Uncertain Significance.